The following is an entry in ClinVar:

ClinVar aggregate classification (germline): Pathogenic (1 of 4 stars; one submission).

Conditions:
Neurodevelopmental disorder with or without hyperkinetic movements and seizures, autosomal dominant. Also called: Intellectual disability, autosomal dominant 8. Identifiers: MedGen C3280282, MONDO:0013655, OMIM 614254.

Submission:

Labcorp Genetics (formerly Invitae), Labcorp
Classification: Pathogenic for Neurodevelopmental disorder with or without hyperkinetic movements and seizures, autosomal dominant. Last evaluated: 2026-01-20. Review status: criteria provided, single submitter. Criteria: Invitae Variant Classification Sherloc (09022015). Collection method: clinical testing. Allele origin: germline.
Comment: This sequence change creates a premature translational stop signal (p.Leu463Alafs*337) in the GRIN1 gene. It is expected to result in an absent or disrupted protein product. Loss-of-function variants in GRIN1 are known to be pathogenic (PMID: 27164704, 35393335). This variant is not present in population databases (gnomAD no frequency). This variant has not been reported in the literature in individuals affected with GRIN1-related conditions. For these reasons, this variant has been classified as Pathogenic.

Literature cited by the submitters: PubMed 27164704; PubMed 35393335.

NM_007327.4(GRIN1):c.1386dup (p.Leu463fs)

Gene: GRIN1 (glutamate ionotropic receptor NMDA type subunit 1; plus strand). Cytogenetic location: 9q34.3.
Variant type: Duplication.
Coding change: c.1386dup on transcript NM_007327.4 (MANE Select); coding-DNA position 1386, one base duplicated (G; older notation c.1386dupG).
Protein change: p.Leu463fs; shifts the reading frame from leucine 463.
Molecular consequence: frameshift variant.
Genome position (GRCh38, 1-based): chr9:137,161,335, G duplicated. VCF-style (leftmost placement, unchanged base first): chr9-137161334-T-TG. GRCh37 (hg19) VCF-style: chr9-140055786-T-TG.
Other names: c.1386dup, p.Leu463fs (NM_021569.4, NM_000832.7); c.1449dup, p.Leu484fs (NM_001185090.2, NM_001185091.2, NM_001437330.1 and 1 more transcripts); short protein forms L463fs, L484fs.
Identifiers: ClinVar variation 4733360 (VCV004733360.1).
Genomic context (GRCh38, chr9:137,161,334, plus strand): 5'-CCCGCACCTACCCAGCCCGCCACACGGTGCCTCAGTGTTGCTACGGCTTTTGCATCGACC[T>TG]GCTCATCAAGCTGGCACGGACCATGAACTTCACCTACGAGGTGCACCTGGTGGCAGATGG-3'